The following is an entry in ClinVar:

NM_005120.3(MED12):c.6279_6293del (p.Gln2111_Gln2115del)

Gene: MED12 (mediator complex subunit 12; plus strand). Cytogenetic location: Xq13.1.
Variant type: Deletion.
Coding change: c.6279_6293del on transcript NM_005120.3 (MANE Select); coding-DNA positions 6279 to 6293, 15 bases deleted (ACAGCAACAGCAGCA).
Protein change: p.Gln2111_Gln2115del.
Molecular consequence: inframe deletion.
Genome position (GRCh38, 1-based): chrX:71,141,241-71,141,255, ACAGCAACAGCAGCA deleted; deleting any 15 consecutive bases within chrX:71,141,233-71,141,255 gives the same sequence; the c. name uses the placement nearest the transcript's 3' end. VCF-style (leftmost placement, unchanged base first): chrX-71141232-GCAGCAGCAACAGCAA-G. GRCh37 (hg19) VCF-style: chrX-70361082-GCAGCAGCAACAGCAA-G.
Identifiers: ClinVar variation 4075546 (VCV004075546.1).

ClinVar aggregate classification (germline): Uncertain significance (1 of 4 stars; one submission).

Submission:

GeneDx
Classification: Uncertain significance. Last evaluated: 2025-02-12. Review status: criteria provided, single submitter. Criteria: GeneDx Variant Classification Process June 2021. Collection method: clinical testing. Allele origin: germline. Affected: yes.
Comment: In-frame deletion of 5 amino acids in a repetitive region with no known function; Not observed at significant frequency in large population cohorts (gnomAD); Has not been previously published as pathogenic or benign to our knowledge; This variant is associated with the following publications: (PMID: 31098807)